The following is an entry in ClinVar:

ClinVar aggregate classification (germline): Likely pathogenic (1 of 4 stars; one submission).

Conditions:
Global developmental delay with or without impaired intellectual development. Identifiers: MedGen C5193032, MONDO:0032680, OMIM 618330.

Submission:

Human Genetics Bochum, Ruhr University Bochum
Classification: Likely pathogenic for Global developmental delay with or without impaired intellectual development. Last evaluated: 2023-11-15. Review status: criteria provided, single submitter. Criteria: ACMG Guidelines, 2015. Collection method: clinical testing. Allele origin: germline. Affected: yes.
Comment: ACMG criteria used to clasify this variant: PVS1, PM2_SUP

NM_001913.5(CUX1):c.1782C>A (p.Tyr594Ter)

Gene: CUX1 (cut like homeobox 1; plus strand). Cytogenetic location: 7q22.1.
Variant type: single nucleotide variant.
Coding change: c.1782C>A on transcript NM_001913.5 (MANE Plus Clinical); coding-DNA position 1782, C replaced by A.
Protein change: p.Tyr594Ter; replaces tyrosine 594 with a stop codon.
Molecular consequence: nonsense.
Genome position (GRCh38, 1-based): chr7:102,280,821, C>A. VCF-style: chr7-102280821-C-A. GRCh37 (hg19) VCF-style: chr7-101924113-C-A.
Other names: c.1734C>A, p.Tyr578Ter (NM_001202544.3); c.1644C>A, p.Tyr548Ter (NM_001202545.3); c.1665C>A, p.Tyr555Ter (NM_001202546.3); c.1776C>A, p.Tyr592Ter (NM_181500.4); short protein forms Y548*, Y555*, Y578*, Y592*, Y594*.
Identifiers: ClinVar variation 3027451 (VCV003027451.1), dbSNP rs782238335, ClinGen allele CA368681517.
Genomic context (GRCh38, chr7:102,280,821, plus strand): 5'-GAGGTCCTTTGGGGTCCTTTCCTGACTGTCCCTCCCTGTGCAGGAGCGGCAGAGGAAGTA[C>A]CTGAGCTTGAGTCCCTGGGACAAGGCCACCCTCAGCATGGTGAGTCCCTGCCCCTACCCA-3'